The following is an entry in ClinVar:

ClinVar aggregate classification (germline): Conflicting classifications of pathogenicity. Review status: criteria provided, conflicting classifications (1 of 4 stars). 2 submissions from 2 submitters: Uncertain significance (1); Likely benign (1). Last evaluated 2025-12-21.

Conditions:
Hereditary hemorrhagic telangiectasia (HHT). Also called: ORW DISEASE; Osler Weber Rendu syndrome; OSLER-RENDU-WEBER DISEASE; Osler hemorrhagic telangiectasia syndrome. Identifiers: Orphanet 774, MedGen C0039445, MONDO:0019180. Disease mechanism: loss of function.
Cardiovascular phenotype. Identifiers: MedGen CN230736.

gnomAD v4.1: 4 of 1,614,126 alleles (0.00025%); highest among the groups gnomAD compares: Non-Finnish European, 0.00025%; no homozygotes.

Submissions (2):

Ambry Genetics
Classification: Uncertain significance for Cardiovascular phenotype. Last evaluated: 2025-12-21. Review status: criteria provided, single submitter. Criteria: Ambry Variant Classification Scheme 2023. Collection method: clinical testing. Allele origin: germline.
Comment: The p.A552D variant (also known as c.1655C>A), located in coding exon 12 of the ENG gene, results from a C to A substitution at nucleotide position 1655. The alanine at codon 552 is replaced by aspartic acid, an amino acid with dissimilar properties. This amino acid position is conserved. In addition, this alteration is predicted to be tolerated by in silico analysis. Based on the available evidence, the clinical significance of this variant remains unclear.

Labcorp Genetics (formerly Invitae), Labcorp
Classification: Likely benign for Hereditary hemorrhagic telangiectasia. Last evaluated: 2022-02-19. Review status: criteria provided, single submitter. Criteria: Invitae Variant Classification Sherloc (09022015). Collection method: clinical testing. Allele origin: germline.

NM_001114753.3(ENG):c.1655C>A (p.Ala552Asp)

Genes: ENG (endoglin; minus strand), LOC102723566 (uncharacterized LOC102723566; plus strand). Cytogenetic location: 9q34.11.
Variant type: single nucleotide variant.
Coding change: c.1655C>A on transcript NM_001114753.3 (MANE Select); coding-DNA position 1655, C replaced by A.
Protein change: p.Ala552Asp; replaces alanine 552 with aspartic acid.
Molecular consequence: missense variant.
Genome position (GRCh38, 1-based): chr9:127,818,151, G>T on the plus strand (C>A on the coding strand, the complement: ENG is on the minus strand). VCF-style: chr9-127818151-G-T. GRCh37 (hg19) VCF-style: chr9-130580430-G-T.
Other names: c.1655C>A (NM_001114753.1); c.1655C>A, p.Ala552Asp (NM_000118.4); c.1109C>A, p.Ala370Asp (NM_001278138.2); short protein forms A552D, A370D.
Identifiers: ClinVar variation 2043234 (VCV002043234.5), dbSNP rs768491175, ClinGen allele CA5252710.